The following is an entry in ClinVar:

ClinVar aggregate classification (germline): Likely benign (0 of 4 stars; one submission).

Conditions:
DLGAP1-related disorder. Also called: DLGAP1-related condition.

Allele frequency attached by ClinVar (database versions not stated): gnomAD 0.00003; TOPMed 0.00004; ExAC 0.00009.
gnomAD v4.1: 51 of 1,533,920 alleles (0.0033%); highest among the groups gnomAD compares: East Asian, 0.015%; no homozygotes.

Submission:

PreventionGenetics, part of Exact Sciences
Classification: Likely benign for DLGAP1-related condition. Last evaluated: 2019-05-24. Review status: no assertion criteria provided. Collection method: clinical testing. Allele origin: germline.
Comment: This variant is classified as likely benign based on ACMG/AMP sequence variant interpretation guidelines (Richards et al. 2015 PMID: 25741868, with internal and published modifications).

NM_004746.4(DLGAP1):c.957+4405C>G

Gene: DLGAP1 (DLG associated protein 1; minus strand). Cytogenetic location: 18p11.31.
Variant type: single nucleotide variant.
Coding change: c.957+4405C>G on transcript NM_004746.4 (MANE Select); 4405 bases into the intron after coding-DNA position 957, C replaced by G.
Molecular consequence: intron variant. On other transcripts: 5 prime UTR variant (7).
Genome position (GRCh38, 1-based): chr18:3,874,707, G>C on the plus strand (C>G on the coding strand, the complement: DLGAP1 is on the minus strand). VCF-style: chr18-3874707-G-C. GRCh37 (hg19) VCF-style: chr18-3874707-G-C.
Other names: c.-1C>G (NM_001242762.2, NM_001242763.2, NM_001398530.1 and 4 more transcripts); c.957+4405C>G (NM_001398527.1, NM_001398526.1, NM_001398525.1 and 2 more transcripts).
Identifiers: ClinVar variation 3038427 (VCV003038427.2), dbSNP rs375283433, ClinGen allele CA8876586.